The following is an entry in ClinVar:

NM_001384474.1(LOXHD1):c.3375G>A (p.Trp1125Ter)

Gene: LOXHD1 (lipoxygenase homology PLAT domains 1; minus strand). Cytogenetic location: 18q21.1.
Variant type: single nucleotide variant.
Coding change: c.3375G>A on transcript NM_001384474.1 (MANE Select); coding-DNA position 3375, G replaced by A.
Protein change: p.Trp1125Ter; replaces tryptophan 1125 with a stop codon.
Molecular consequence: nonsense. On other transcripts: 5 prime UTR variant (1).
Genome position (GRCh38, 1-based): chr18:46,547,034, C>T on the plus strand (G>A on the coding strand, the complement: LOXHD1 is on the minus strand). VCF-style: chr18-46547034-C-T. GRCh37 (hg19) VCF-style: chr18-44126997-C-T.
Other names: c.42G>A, p.Trp14Ter (NM_001145472.3); c.-247G>A (NM_001308013.2); c.3375G>A, p.Trp1125Ter (NM_144612.7); c.3375G>A (NM_144612.6); short protein forms W1125*, W14*.
Identifiers: ClinVar variation 2167051 (VCV002167051.5), dbSNP rs2511752391, ClinGen allele CA402367195.

ClinVar aggregate classification (germline): Pathogenic/Likely pathogenic. Review status: criteria provided, multiple submitters, no conflicts (2 of 4 stars). 2 submissions from 2 submitters: Pathogenic (1); Likely pathogenic (1). Last evaluated 2025-04-20.

Conditions:
Autosomal recessive nonsyndromic hearing loss 77. Identifiers: Orphanet 90636, MedGen C2746083, MONDO:0013119, OMIM 613079.

Submissions (2):

Natera, Inc.
Classification: Likely pathogenic for Autosomal recessive deafness type 77. Last evaluated: 2025-04-20. Review status: criteria provided, single submitter. Criteria: Natera Variant Classification Schema (03/2026). Collection method: clinical testing. Allele origin: germline.
Comment: The c.3375G>A variant in LOXHD1 is a nonsense variant predicted to introduce a stop codon at amino acid 1125. This variant is expected to result in nonsense mediated decay, truncation, or a dysfunctional protein product. This variant is rare in the general population with a frequency below the threshold expected for the associated phenotype(s). Given the available evidence, this variant is classified as Likely Pathogenic.

Labcorp Genetics (formerly Invitae), Labcorp
Classification: Pathogenic. Last evaluated: 2022-03-01. Review status: criteria provided, single submitter. Criteria: Invitae Variant Classification Sherloc (09022015). Collection method: clinical testing. Allele origin: germline.
Comment: This sequence change creates a premature translational stop signal (p.Trp1125*) in the LOXHD1 gene. It is expected to result in an absent or disrupted protein product. Loss-of-function variants in LOXHD1 are known to be pathogenic (PMID: 19732867, 21465660, 25792669). This variant is not present in population databases (gnomAD no frequency). For these reasons, this variant has been classified as Pathogenic. This variant has not been reported in the literature in individuals affected with LOXHD1-related conditions.

Literature cited by the submitters: PubMed 19732867 (cited by Labcorp Genetics (formerly Invitae), Labcorp); PubMed 21465660 (cited by Labcorp Genetics (formerly Invitae), Labcorp); PubMed 25792669 (cited by Labcorp Genetics (formerly Invitae), Labcorp).